The following is an entry in ClinVar:

ClinVar aggregate classification (germline): Uncertain significance (1 of 4 stars; one submission).

Allele frequency attached by ClinVar (database versions not stated): gnomAD exomes below 0.00001; ExAC 0.00001; gnomAD 0.00001; TOPMed 0.00001.
gnomAD v4.1: 8 of 1,614,090 alleles (0.0005%); highest among the groups gnomAD compares: Admixed American, 0.005%; no homozygotes.

Submission:

Labcorp Genetics (formerly Invitae), Labcorp
Classification: Uncertain significance. Last evaluated: 2022-08-19. Review status: criteria provided, single submitter. Criteria: Invitae Variant Classification Sherloc (09022015). Collection method: clinical testing. Allele origin: germline.
Comment: This sequence change replaces isoleucine, which is neutral and non-polar, with valine, which is neutral and non-polar, at codon 108 of the FLVCR2 protein (p.Ile108Val). This variant is present in population databases (rs770326592, gnomAD 0.0009%). This variant has not been reported in the literature in individuals affected with FLVCR2-related conditions. Algorithms developed to predict the effect of missense changes on protein structure and function output the following: SIFT: "Tolerated"; PolyPhen-2: "Possibly Damaging"; Align-GVGD: "Class C0". The valine amino acid residue is found in multiple mammalian species, which suggests that this missense change does not adversely affect protein function. In summary, the available evidence is currently insufficient to determine the role of this variant in disease. Therefore, it has been classified as a Variant of Uncertain Significance.

NM_017791.3(FLVCR2):c.322A>G (p.Ile108Val)

Genes: FLVCR2 (FLVCR choline and putative heme transporter 2; plus strand), FLVCR2-AS1 (FLVCR2 antisense RNA 1; minus strand). Cytogenetic location: 14q24.3.
Variant type: single nucleotide variant.
Coding change: c.322A>G on transcript NM_017791.3 (MANE Select); coding-DNA position 322, A replaced by G.
Protein change: p.Ile108Val; replaces isoleucine 108 with valine.
Molecular consequence: missense variant. On other transcripts: non-coding transcript variant (1).
Genome position (GRCh38, 1-based): chr14:75,579,294, A>G. VCF-style: chr14-75579294-A-G. GRCh37 (hg19) VCF-style: chr14-76045637-A-G.
Other names: short protein forms I108V.
Identifiers: ClinVar variation 1958503 (VCV001958503.2), dbSNP rs770326592, ClinGen allele CA7278196.
Genomic context (GRCh38, chr14:75,579,294, plus strand): 5'-GTCCTGGTGTTTAGCTGCTACTCCATGTGCAACTCCTTTCAGTGGATCCAGTACGGCTCC[A>G]TCAATAACATCTTCATGCACTTCTACGGTGTCAGTGCCTTTGCCATTGACTGGCTGTCCA-3'
Protein context (NP_060261.2, residues 98-118): NSFQWIQYGS[Ile108Val]NNIFMHFYGV